The following is an entry in ClinVar:

NM_000426.4(LAMA2):c.8245-159A>G

Genes: LAMA2 (laminin subunit alpha 2; plus strand), LOC126859784 (CDK7 strongly-dependent group 2 enhancer GRCh37_chr6:129822854-129824053; plus strand). Cytogenetic location: 6q22.33.
Variant type: single nucleotide variant.
Coding change: c.8245-159A>G on transcript NM_000426.4 (MANE Select); 159 bases into the intron before coding-DNA position 8245, A replaced by G.
Molecular consequence: intron variant.
Genome position (GRCh38, 1-based): chr6:129,502,500, A>G. VCF-style: chr6-129502500-A-G. GRCh37 (hg19) VCF-style: chr6-129823645-A-G.
Other names: c.8233-159A>G (NM_001079823.2).
Identifiers: ClinVar variation 682954 (VCV000682954.1), dbSNP rs7754167, ClinGen allele CA12305177.

ClinVar aggregate classification (germline): Benign (1 of 4 stars; one submission).

Allele frequency attached by ClinVar (database versions not stated): 1000 Genomes Project 0.71346; 1000 Genomes Project 30x 0.71549; gnomAD 0.73266 and 0.73534; TOPMed 0.73971.
gnomAD v4.1: 111,618 of 152,166 alleles (73%); highest among the groups gnomAD compares: Middle Eastern, 78%; 40,992 homozygotes.

Submission:

GeneDx
Classification: Benign. Last evaluated: 2018-06-14. Review status: criteria provided, single submitter. Criteria: GeneDx Variant Classification (06012015). Collection method: clinical testing. Allele origin: germline. Affected: yes.
Comment: This variant is considered likely benign or benign based on one or more of the following criteria: it is a conservative change, it occurs at a poorly conserved position in the protein, it is predicted to be benign by multiple in silico algorithms, and/or has population frequency not consistent with disease.